The following is an entry in ClinVar:

NM_001184.4(ATR):c.4802C>G (p.Ala1601Gly)

Gene: ATR (ATR checkpoint kinase; minus strand). Cytogenetic location: 3q23.
Variant type: single nucleotide variant.
Coding change: c.4802C>G on transcript NM_001184.4 (MANE Select); coding-DNA position 4802, C replaced by G.
Protein change: p.Ala1601Gly; replaces alanine 1601 with glycine.
Molecular consequence: missense variant.
Genome position (GRCh38, 1-based): chr3:142,512,310, G>C on the plus strand (C>G on the coding strand, the complement: ATR is on the minus strand). VCF-style: chr3-142512310-G-C. GRCh37 (hg19) VCF-style: chr3-142231152-G-C.
Other names: c.4610C>G, p.Ala1537Gly (NM_001354579.2); short protein forms A1601G, A1537G.
Identifiers: ClinVar variation 1372951 (VCV001372951.8), dbSNP rs2032619143, ClinGen allele CA354795127.

ClinVar aggregate classification (germline): Uncertain significance (1 of 4 stars; one submission).

gnomAD v4.1: 1 of 1,613,168 alleles (0.000062%); no homozygotes.

Submission:

Labcorp Genetics (formerly Invitae), Labcorp
Classification: Uncertain significance. Last evaluated: 2021-07-26. Review status: criteria provided, single submitter. Criteria: Invitae Variant Classification Sherloc (09022015). Collection method: clinical testing. Allele origin: germline.
Comment: Algorithms developed to predict the effect of missense changes on protein structure and function are either unavailable or do not agree on the potential impact of this missense change (SIFT: "Deleterious"; PolyPhen-2: "Possibly Damaging"; Align-GVGD: "Class C0"). This variant has not been reported in the literature in individuals affected with ATR-related conditions. This variant is not present in population databases (ExAC no frequency). This sequence change replaces alanine with glycine at codon 1601 of the ATR protein (p.Ala1601Gly). The alanine residue is moderately conserved and there is a small physicochemical difference between alanine and glycine. Algorithms developed to predict the effect of sequence changes on RNA splicing suggest that this variant may create or strengthen a splice site. In summary, the available evidence is currently insufficient to determine the role of this variant in disease. Therefore, it has been classified as a Variant of Uncertain Significance.